The following is an entry in ClinVar:

NM_001807.6(CEL):c.2151G>A (p.Thr717=)

Gene: CEL (carboxyl ester lipase; plus strand). Cytogenetic location: 9q34.13.
Variant type: single nucleotide variant.
Coding change: c.2151G>A on transcript NM_001807.6 (MANE Select); coding-DNA position 2151, G replaced by A.
Protein change: p.Thr717=; no amino-acid change (threonine 717 retained).
Molecular consequence: synonymous variant.
Genome position (GRCh38, 1-based): chr9:133,071,653, G>A. VCF-style: chr9-133071653-G-A. GRCh37 (hg19) VCF-style: chr9-135947040-G-A.
Identifiers: ClinVar variation 3024911 (VCV003024911.23), dbSNP rs370356484, ClinGen allele CA5303658.
Genomic context (GRCh38, chr9:133,071,653, plus strand): 5'-CTCCGGGGCCCCCCCCGTGACCCCCACGGGTGACTCCGAGACCGCCCCCGTGCCGCCCAC[G>A]GGTGACTCCGGGGCCCCCCCTGTGCCCCCCACGGGTGACTCTGAGGCTGCCCCTGTGCCC-3'
Protein context (NP_001798.3, residues 707-727): GDSETAPVPP[Thr717=]GDSGAPPVPP

ClinVar aggregate classification (germline): Likely benign. Review status: criteria provided, multiple submitters, no conflicts (2 of 4 stars). 2 submissions from 2 submitters: Likely benign (2). Last evaluated 2024-11-14.

Allele frequency attached by ClinVar (database versions not stated): gnomAD 0.00029; ESP Exome Variant Server 0.00036; ExAC 0.00052; 1000 Genomes Project 0.00060.
gnomAD v4.1: 529 of 1,548,034 alleles (0.034%); highest among the groups gnomAD compares: Admixed American, 0.04%; 7 homozygotes.

Submissions (2):

Blueprint Genetics
Classification: Likely benign. Last evaluated: 2024-11-14. Review status: criteria provided, single submitter. Criteria: ACMG Guidelines, 2015. Collection method: clinical testing. Allele origin: germline.

CeGaT Center for Human Genetics Tuebingen
Classification: Likely benign. Last evaluated: 2024-02-01. Review status: criteria provided, single submitter. Criteria: CeGaT Center For Human Genetics Tuebingen Variant Classification Criteria Version 2. Collection method: clinical testing. Allele origin: germline. Affected: yes. Observed: 1 variant allele.
Comment: CEL: BP4, BP7